The following is an entry in ClinVar:

ClinVar aggregate classification (germline): Uncertain significance (1 of 4 stars; one submission).

Conditions:
Dyskeratosis congenita. Identifiers: Orphanet 1775, MedGen C0265965, MONDO:0015780.

Allele frequency attached by ClinVar (database versions not stated): gnomAD exomes below 0.00001; gnomAD 0.00003; TOPMed 0.00003.
gnomAD v4.1: 10 of 1,614,028 alleles (0.00062%); highest among the groups gnomAD compares: African/African-American, 0.0067%; no homozygotes.

Submission:

Labcorp Genetics (formerly Invitae), Labcorp
Classification: Uncertain significance for Dyskeratosis congenita. Last evaluated: 2022-04-07. Review status: criteria provided, single submitter. Criteria: Invitae Variant Classification Sherloc (09022015). Collection method: clinical testing. Allele origin: germline.
Comment: This sequence change replaces asparagine, which is neutral and polar, with serine, which is neutral and polar, at codon 138 of the CTC1 protein (p.Asn138Ser). This variant is present in population databases (no rsID available, gnomAD 0.01%). This variant has not been reported in the literature in individuals affected with CTC1-related conditions. Algorithms developed to predict the effect of missense changes on protein structure and function are either unavailable or do not agree on the potential impact of this missense change (SIFT: "Deleterious"; PolyPhen-2: "Probably Damaging"; Align-GVGD: "Class C0"). In summary, the available evidence is currently insufficient to determine the role of this variant in disease. Therefore, it has been classified as a Variant of Uncertain Significance.

NM_025099.6(CTC1):c.413A>G (p.Asn138Ser)

Gene: CTC1 (CST telomere replication complex component 1; minus strand). Cytogenetic location: 17p13.1.
Variant type: single nucleotide variant.
Coding change: c.413A>G on transcript NM_025099.6 (MANE Select); coding-DNA position 413, A replaced by G.
Protein change: p.Asn138Ser; replaces asparagine 138 with serine.
Molecular consequence: missense variant. On other transcripts: non-coding transcript variant (1).
Genome position (GRCh38, 1-based): chr17:8,238,414, T>C on the plus strand (A>G on the coding strand, the complement: CTC1 is on the minus strand). VCF-style: chr17-8238414-T-C. GRCh37 (hg19) VCF-style: chr17-8141732-T-C.
Other names: c.413A>G, p.Asn138Ser (NM_001411067.1); short protein forms N138S.
Identifiers: ClinVar variation 2060945 (VCV002060945.1), dbSNP rs1039229698, ClinGen allele CA287539324.